The following is an entry in ClinVar:

ClinVar aggregate classification (germline): Uncertain significance (1 of 4 stars; one submission).

gnomAD v4.1: 1 of 1,613,998 alleles (0.000062%); highest among the groups gnomAD compares: African/African-American, 0.0013%; no homozygotes.

Submission:

Labcorp Genetics (formerly Invitae), Labcorp
Classification: Uncertain significance. Last evaluated: 2024-06-26. Review status: criteria provided, single submitter. Criteria: Invitae Variant Classification Sherloc (09022015). Collection method: clinical testing. Allele origin: germline.
Comment: This sequence change replaces glutamic acid, which is acidic and polar, with lysine, which is basic and polar, at codon 702 of the KIF20A protein (p.Glu702Lys). This variant is present in population databases (rs774360689, gnomAD 0.007%). This variant has not been reported in the literature in individuals affected with KIF20A-related conditions. An algorithm developed to predict the effect of missense changes on protein structure and function (PolyPhen-2) suggests that this variant is likely to be disruptive. In summary, the available evidence is currently insufficient to determine the role of this variant in disease. Therefore, it has been classified as a Variant of Uncertain Significance.

NM_005733.3(KIF20A):c.2104G>A (p.Glu702Lys)

Gene: KIF20A (kinesin family member 20A; plus strand). Cytogenetic location: 5q31.2.
Variant type: single nucleotide variant.
Coding change: c.2104G>A on transcript NM_005733.3 (MANE Select); coding-DNA position 2104, G replaced by A.
Protein change: p.Glu702Lys; replaces glutamic acid 702 with lysine.
Molecular consequence: missense variant.
Genome position (GRCh38, 1-based): chr5:138,185,689, G>A. VCF-style: chr5-138185689-G-A. GRCh37 (hg19) VCF-style: chr5-137521378-G-A.
Other names: short protein forms E702K.
Identifiers: ClinVar variation 3657225 (VCV003657225.2).